The following is an entry in ClinVar:

NM_000038.6(APC):c.4225C>A (p.Pro1409Thr)

Gene: APC (APC regulator of WNT signaling pathway; plus strand). Cytogenetic location: 5q22.2.
Variant type: single nucleotide variant.
Coding change: c.4225C>A on transcript NM_000038.6 (MANE Select); coding-DNA position 4225, C replaced by A.
Protein change: p.Pro1409Thr; replaces proline 1409 with threonine.
Molecular consequence: missense variant.
Genome position (GRCh38, 1-based): chr5:112,839,819, C>A. VCF-style: chr5-112839819-C-A. GRCh37 (hg19) VCF-style: chr5-112175516-C-A.
Other names: c.4225C>A, p.Pro1409Thr (NM_001127510.3, NM_001354895.2); c.4171C>A, p.Pro1391Thr (NM_001127511.3); c.4279C>A, p.Pro1427Thr (NM_001354896.2); c.4255C>A, p.Pro1419Thr (NM_001354897.2); c.4150C>A, p.Pro1384Thr (NM_001354898.2); c.4141C>A, p.Pro1381Thr (NM_001354899.2); c.4102C>A, p.Pro1368Thr (NM_001354900.2); c.4048C>A, p.Pro1350Thr (NM_001354901.2); and 5 more; short protein forms P1391T, P1409T, P1126T, P1308T, P1381T, P1427T, P1249T, P1318T.
Identifiers: ClinVar variation 495360 (VCV000495360.1), dbSNP rs1554085637, ClinGen allele CA16030587.
Genomic context (GRCh38, chr5:112,839,819, plus strand): 5'-TCTGTCAGTTCACTTGATAGTTTTGAGAGTCGTTCGATTGCCAGCTCCGTTCAGAGTGAA[C>A]CATGCAGTGGAATGGTAAGTGGCATTATAAGCCCCAGTGATCTTCCAGATAGCCCTGGAC-3'
Protein context (NP_000029.2, residues 1399-1419): RSIASSVQSE[Pro1409Thr]CSGMVSGIIS

ClinVar aggregate classification (germline): Uncertain significance (1 of 4 stars; one submission).

Submission:

Women's Health and Genetics/Laboratory Corporation of America, LabCorp
Classification: Uncertain significance. Last evaluated: 2017-08-16. Review status: criteria provided, single submitter. Criteria: LabCorp Variant Classification Summary - May 2015. Collection method: clinical testing. Allele origin: germline.
Comment: Variant summary: The APC c.4225C>A (p.Pro1409Thr) variant involves the alteration of a conserved nucleotide. 3/4 in silico tools predict a damaging outcome for this variant (SNPsandGO not captured due to low reliability index). This variant is absent in 121314 control chromosomes. The variant of interest has not, to our knowledge, been reported in affected individuals via publications and/or reputable databases/clinical diagnostic laboratories; nor evaluated for functional impact by in vivo/vitro studies. Because of the absence of clinical information and the lack of functional studies, the variant is classified as a variant of uncertain significance (VUS) until additional information becomes available.